The following is an entry in ClinVar:

NM_000350.3(ABCA4):c.3403C>T (p.Gln1135Ter)

Gene: ABCA4 (ATP binding cassette subfamily A member 4; minus strand). Cytogenetic location: 1p22.1.
Variant type: single nucleotide variant.
Coding change: c.3403C>T on transcript NM_000350.3 (MANE Select); coding-DNA position 3403, C replaced by T.
Protein change: p.Gln1135Ter; replaces glutamine 1135 with a stop codon.
Molecular consequence: nonsense.
Genome position (GRCh38, 1-based): chr1:94,041,328, G>A on the plus strand (C>T on the coding strand, the complement: ABCA4 is on the minus strand). VCF-style: chr1-94041328-G-A. GRCh37 (hg19) VCF-style: chr1-94506884-G-A.
Other names: c.3181C>T, p.Gln1061Ter (NM_001425324.1); short protein forms Q1135*, Q1061*.
Identifiers: ClinVar variation 372291 (VCV000372291.9), dbSNP rs1057517701, ClinGen allele CA16042404.
Genomic context (GRCh38, chr1:94,041,328, plus strand): 5'-AGCCTGTGCCAAAGCAGTTCTTCAGGAAGAGTGGGGTGCCTGAGCAGTAGAGCCTTCCCT[G>A]GGCAATGATGGCAATGCGGTCCCCAAGGAGGTCGGCCTCGTCCATGTGGTGAGTGGACAT-3'

ClinVar aggregate classification (germline): Pathogenic. Review status: criteria provided, multiple submitters, no conflicts (2 of 4 stars). 3 submissions from 3 submitters: Pathogenic (3). Last evaluated 2025-06-27.

Conditions:
ABCA4-related disorder. Also called: ABCA4-related disorders; ABCA4-related condition. Identifiers: MedGen CN239167.

Allele frequency attached by ClinVar (database versions not stated): TOPMed below 0.00001; gnomAD 0.00001.
gnomAD v4.1: 1 of 1,613,988 alleles (0.000062%); highest among the groups gnomAD compares: Non-Finnish European, 0.000085%; no homozygotes.

Submissions (3):

Labcorp Genetics (formerly Invitae), Labcorp
Classification: Pathogenic. Last evaluated: 2025-06-27. Review status: criteria provided, single submitter. Criteria: Invitae Variant Classification Sherloc (09022015). Collection method: clinical testing. Allele origin: germline.
Comment: This sequence change creates a premature translational stop signal (p.Gln1135*) in the ABCA4 gene. It is expected to result in an absent or disrupted protein product. Loss-of-function variants in ABCA4 are known to be pathogenic (PMID: 10958761, 24938718, 25312043, 26780318). This variant is present in population databases (no rsID available, gnomAD 0.007%). This premature translational stop signal has been observed in individual(s) with Stargardt disease (PMID: 24743636). ClinVar contains an entry for this variant (Variation ID: 372291). For these reasons, this variant has been classified as Pathogenic.

Blueprint Genetics
Classification: Pathogenic for ABCA4-related disorders. Last evaluated: 2022-07-26. Review status: criteria provided, single submitter. Criteria: ACMG Guidelines, 2015. Collection method: clinical testing. Allele origin: germline. Affected: yes. Observed: 2 variant alleles.

GeneDx
Classification: Pathogenic. Last evaluated: 2016-08-04. Review status: criteria provided, single submitter. Criteria: GeneDx Variant Classification (06012015). Collection method: clinical testing. Allele origin: germline. Affected: yes.
Comment: The Q1135X nonsense variant in the ABCA4 gene has been reported previously in two patients with Stargardt disease who harbored a second variant in the ABCA4 gene (Sisk et al., 2014). It is predicted to cause loss of normal protein function either through protein truncation or nonsense-mediated mRNA decay. Additionally, the Q1135X variant was not observed in approximately 6,500 individuals of European and African American ancestry in the NHLBI Exome Sequencing Project, indicating it is not a common benign variant in these populations.

Literature cited by the submitters: PubMed 10958761 (cited by Labcorp Genetics (formerly Invitae), Labcorp); PubMed 24938718 (cited by Labcorp Genetics (formerly Invitae), Labcorp); PubMed 25312043 (cited by Labcorp Genetics (formerly Invitae), Labcorp); PubMed 26780318 (cited by Labcorp Genetics (formerly Invitae), Labcorp); PubMed 24743636 (cited by Labcorp Genetics (formerly Invitae), Labcorp).